The following is an entry in ClinVar:

NM_001001331.4(ATP2B2):c.3639C>T (p.Ile1213=)

Gene: ATP2B2 (ATPase plasma membrane Ca2+ transporting 2; minus strand). Cytogenetic location: 3p25.3.
Variant type: single nucleotide variant.
Coding change: c.3639C>T on transcript NM_001001331.4 (MANE Select); coding-DNA position 3639, C replaced by T.
Protein change: p.Ile1213=; no amino-acid change (isoleucine 1213 retained).
Molecular consequence: synonymous variant. On other transcripts: 3 prime UTR variant (2).
Genome position (GRCh38, 1-based): chr3:10,328,907, G>A on the plus strand (C>T on the coding strand, the complement: ATP2B2 is on the minus strand). VCF-style: chr3-10328907-G-A. GRCh37 (hg19) VCF-style: chr3-10370591-G-A.
Other names: c.*266C>T (NM_001330611.3); c.3504C>T, p.Ile1168= (NM_001353564.1, NM_001683.5); c.*193C>T (NM_001363862.1).
Identifiers: ClinVar variation 3038138 (VCV003038138.2), dbSNP rs758884069, ClinGen allele CA2253045.

ClinVar aggregate classification (germline): Likely benign (0 of 4 stars; one submission).

Conditions:
ATP2B2-related disorder. Also called: ATP2B2-related condition.

Allele frequency attached by ClinVar (database versions not stated): ExAC 0.00001; gnomAD exomes 0.00002; gnomAD 0.00003.
gnomAD v4.1: 37 of 1,613,800 alleles (0.0023%); highest among the groups gnomAD compares: African/African-American, 0.0067%; no homozygotes.

Submission:

PreventionGenetics, part of Exact Sciences
Classification: Likely benign for ATP2B2-related condition. Last evaluated: 2019-04-30. Review status: no assertion criteria provided. Collection method: clinical testing. Allele origin: germline.
Comment: This variant is classified as likely benign based on ACMG/AMP sequence variant interpretation guidelines (Richards et al. 2015 PMID: 25741868, with internal and published modifications).